The following is an entry in ClinVar:

ClinVar aggregate classification (germline): Benign/Likely benign. Review status: criteria provided, multiple submitters, no conflicts (2 of 4 stars). 6 submissions from 6 submitters: Benign (2); Likely benign (4). Last evaluated 2026-01-28.

Conditions:
Hereditary cancer-predisposing syndrome. Also called: Hereditary neoplastic syndrome; Hereditary Cancer Syndrome; Neoplastic Syndromes, Hereditary; Tumor predisposition. Identifiers: Orphanet 140162, MedGen C0027672, MeSH D009386, MONDO:0015356.
Juvenile polyposis syndrome (JPS). Identifiers: Orphanet 2929, MedGen C0345893, MONDO:0017380, OMIM 174900.

Submissions (6):

Labcorp Genetics (formerly Invitae), Labcorp
Classification: Benign for Juvenile polyposis syndrome. Last evaluated: 2026-01-28. Review status: criteria provided, single submitter. Criteria: Invitae Variant Classification Sherloc (09022015). Collection method: clinical testing. Allele origin: germline.

Center for Genomic Medicine, Rigshospitalet, Copenhagen University Hospital
Classification: Likely benign. Last evaluated: 2025-12-29. Review status: criteria provided, single submitter. Criteria: ACMG Guidelines, 2015. Collection method: clinical testing. Allele origin: germline.

Myriad Genetics, Inc.
Classification: Likely benign for Juvenile polyposis syndrome. Last evaluated: 2024-07-31. Review status: criteria provided, single submitter. Criteria: Myriad Autosomal Dominant, Autosomal Recessive and X-Linked Classification Criteria (2023). Collection method: clinical testing. Allele origin: unknown.
Comment: This variant is considered likely benign. This variant is intronic and is not expected to impact mRNA splicing.

Women's Health and Genetics/Laboratory Corporation of America, LabCorp
Classification: Benign. Last evaluated: 2023-10-02. Review status: criteria provided, single submitter. Criteria: LabCorp Variant Classification Summary - May 2015. Collection method: clinical testing. Allele origin: germline.
Comment: Variant summary: BMPR1A c.231-10dupT alters a non-conserved nucleotide located at a position not widely known to affect splicing. Consensus agreement among computation tools predict no significant impact on normal splicing. However, these predictions have yet to be confirmed by functional studies. The variant allele was found at a frequency of 4e-05 in 248840 control chromosomes (gnomAD). The observed variant frequency is approximately 20-fold of the estimated maximal expected allele frequency for a pathogenic variant in BMPR1A causing Juvenile Polyposis Syndrome phenotype (2e-06), strongly suggesting that the variant is benign. To our knowledge, no occurrence of c.231-10dupT in individuals affected with Juvenile Polyposis Syndrome and no experimental evidence demonstrating its impact on protein function have been reported. Three submitters have cited clinical-significance assessments for this variant to ClinVar after 2014. All submitters classified the variant as benign/likely benign. Based on the evidence outlined above, the variant was classified as benign.

GeneDx
Classification: Likely benign. Last evaluated: 2017-09-08. Review status: criteria provided, single submitter. Criteria: GeneDx Variant Classification (06012015). Collection method: clinical testing. Allele origin: germline. Affected: yes.
Comment: This variant is considered likely benign or benign based on one or more of the following criteria: it is a conservative change, it occurs at a poorly conserved position in the protein, it is predicted to be benign by multiple in silico algorithms, and/or has population frequency not consistent with disease.

Color Diagnostics, LLC DBA Color Health
Classification: Likely benign for Hereditary cancer-predisposing syndrome. Last evaluated: 2017-04-24. Review status: criteria provided, single submitter. Criteria: ACMG Guidelines, 2015. Collection method: clinical testing. Allele origin: germline.

NM_004329.3(BMPR1A):c.231-10dup

Gene: BMPR1A (bone morphogenetic protein receptor type 1A; plus strand). Cytogenetic location: 10q23.2.
Variant type: Duplication.
Coding change: c.231-10dup on transcript NM_004329.3 (MANE Select); 10 bases into the intron before coding-DNA position 231, one base duplicated (T; older notation c.231-10dupT).
Molecular consequence: intron variant.
Genome position (GRCh38, 1-based): chr10:86,892,117, T duplicated; the last of 7 consecutive T bases (chr10:86,892,111-86,892,117); duplicating any one gives the same sequence. VCF-style (leftmost placement, unchanged base first): chr10-86892110-G-GT. GRCh37 (hg19) VCF-style: chr10-88651867-G-GT.
Other names: c.231-10dupT (NM_004329.2, NM_004329.3).
Identifiers: ClinVar variation 420272 (VCV000420272.14), dbSNP rs747206781, ClinGen allele CA5585458.
Genomic context (GRCh38, chr10:86,892,110, plus strand): 5'-CACATTCAGACTCAAATTTCGTTAGTACTTTCTATGTGAATTTATGTTTTGTTTTGTTTT[G>GT]TTTTTTTCTGTTTTAGAACTAATGGACATTGCTTTGCCATCATAGAAGAAGATGACCAGG-3'